The following is an entry in ClinVar:

ClinVar aggregate classification (germline): Uncertain significance (1 of 4 stars; one submission).

Submission:

Ambry Genetics
Classification: Uncertain significance. Last evaluated: 2022-06-24. Review status: criteria provided, single submitter. Criteria: Ambry Variant Classification Scheme 2023. Collection method: clinical testing. Allele origin: germline.
Comment: The p.E392D variant (also known as c.1176A>C), located in coding exon 9 of the FAM175A gene, results from an A to C substitution at nucleotide position 1176. The glutamic acid at codon 392 is replaced by aspartic acid, an amino acid with highly similar properties. This amino acid position is conserved. In addition, this alteration is predicted to be tolerated by in silico analysis. Since supporting evidence is limited at this time, the clinical significance of this alteration remains unclear.

NM_139076.3(ABRAXAS1):c.1176A>C (p.Glu392Asp)

Gene: ABRAXAS1 (abraxas 1, BRCA1 A complex subunit; minus strand). Cytogenetic location: 4q21.23.
Variant type: single nucleotide variant.
Coding change: c.1176A>C on transcript NM_139076.3 (MANE Select); coding-DNA position 1176, A replaced by C.
Protein change: p.Glu392Asp; replaces glutamic acid 392 with aspartic acid.
Molecular consequence: missense variant.
Genome position (GRCh38, 1-based): chr4:83,462,523, T>G on the plus strand (A>C on the coding strand, the complement: ABRAXAS1 is on the minus strand). VCF-style: chr4-83462523-T-G. GRCh37 (hg19) VCF-style: chr4-84383676-T-G.
Other names: c.849A>C, p.Glu283Asp (NM_001345962.2); short protein forms E283D, E392D.
Identifiers: ClinVar variation 1800116 (VCV001800116.2), dbSNP rs2529417760, ClinGen allele CA357254961.